The following is an entry in ClinVar:

NM_004380.3(CREBBP):c.3032del (p.Gly1011fs)

Gene: CREBBP (CREB binding protein; minus strand). Cytogenetic location: 16p13.3.
Variant type: Deletion.
Coding change: c.3032del on transcript NM_004380.3 (MANE Select); coding-DNA position 3032, one base deleted (G; older notation c.3032delG).
Protein change: p.Gly1011fs; shifts the reading frame from glycine 1011.
Molecular consequence: frameshift variant.
Genome position (GRCh38, 1-based): chr16:3,769,202, C deleted on the plus strand (G on the coding strand, the reverse complement: CREBBP is on the minus strand); the first of 2 consecutive C bases (chr16:3,769,202-3,769,203); deleting either gives the same sequence. VCF-style (leftmost placement, unchanged base first): chr16-3769201-AC-A. GRCh37 (hg19) VCF-style: chr16-3819202-AC-A.
Other names: c.2918del, p.Gly973fs (NM_001079846.1); short protein forms G1011fs, G973fs.
Identifiers: ClinVar variation 3340262 (VCV003340262.1).

ClinVar aggregate classification (germline): Pathogenic (1 of 4 stars; one submission).

Submission:

GeneDx
Classification: Pathogenic. Last evaluated: 2024-03-01. Review status: criteria provided, single submitter. Criteria: GeneDx Variant Classification Process June 2021. Collection method: clinical testing. Allele origin: germline. Affected: yes.
Comment: Frameshift variant predicted to result in protein truncation or nonsense mediated decay in a gene for which loss of function is a known mechanism of disease; Not observed at significant frequency in large population cohorts (gnomAD); This variant is associated with the following publications: (PMID: 22591219)